The following is an entry in ClinVar:

NM_000179.3(MSH6):c.2003C>A (p.Ser668Tyr)

Gene: MSH6 (mutS homolog 6; plus strand). Cytogenetic location: 2p16.3.
Variant type: single nucleotide variant.
Coding change: c.2003C>A on transcript NM_000179.3 (MANE Select); coding-DNA position 2003, C replaced by A.
Protein change: p.Ser668Tyr; replaces serine 668 with tyrosine.
Molecular consequence: missense variant.
Genome position (GRCh38, 1-based): chr2:47,799,986, C>A. VCF-style: chr2-47799986-C-A. GRCh37 (hg19) VCF-style: chr2-48027125-C-A.
Other names: c.1613C>A, p.Ser538Tyr (NM_001281492.2); c.1097C>A, p.Ser366Tyr (NM_001281493.2, NM_001281494.2); short protein forms S538Y, S668Y, S366Y.
Identifiers: ClinVar variation 820521 (VCV000820521.5), dbSNP rs923709484, ClinGen allele CA346750670.

ClinVar aggregate classification (germline): Uncertain significance (1 of 4 stars; one submission).

Conditions:
Hereditary cancer-predisposing syndrome. Also called: Neoplastic Syndromes, Hereditary; Tumor predisposition; Hereditary Cancer Syndrome; Hereditary neoplastic syndrome. Identifiers: Orphanet 140162, MedGen C0027672, MeSH D009386, MONDO:0015356.

Submission:

Ambry Genetics
Classification: Uncertain significance for Hereditary cancer-predisposing syndrome. Last evaluated: 2024-04-22. Review status: criteria provided, single submitter. Criteria: Ambry Variant Classification Scheme 2023. Collection method: clinical testing. Allele origin: germline.
Comment: The p.S668Y variant (also known as c.2003C>A), located in coding exon 4 of the MSH6 gene, results from a C to A substitution at nucleotide position 2003. The serine at codon 668 is replaced by tyrosine, an amino acid with dissimilar properties. This amino acid position is well conserved in available vertebrate species. In addition, the in silico prediction for this alteration is inconclusive. Based on the available evidence, the clinical significance of this variant remains unclear.